The following is an entry in ClinVar:

ClinVar aggregate classification (germline): Uncertain significance. Review status: criteria provided, multiple submitters, no conflicts (2 of 4 stars). 2 submissions from 2 submitters: Uncertain significance (2). Last evaluated 2024-07-10.

Submissions (2):

Blueprint Genetics
Classification: Uncertain significance. Last evaluated: 2024-07-10. Review status: criteria provided, single submitter. Criteria: ACMG Guidelines, 2015. Collection method: clinical testing. Allele origin: germline.

GeneDx
Classification: Uncertain significance. Last evaluated: 2020-01-28. Review status: criteria provided, single submitter. Criteria: GeneDx Variant Classification Process June 2021. Collection method: clinical testing. Allele origin: germline. Affected: yes.
Comment: Not observed in large population cohorts (Lek et al., 2016); In silico analysis supports that this missense variant has a deleterious effect on protein structure/function; Has not been previously published as pathogenic or benign to our knowledge

NM_003070.5(SMARCA2):c.1436C>T (p.Ala479Val)

Gene: SMARCA2 (SWI/SNF related BAF chromatin remodeling complex subunit ATPase 2; plus strand). Cytogenetic location: 9p24.3.
Variant type: single nucleotide variant.
Coding change: c.1436C>T on transcript NM_003070.5 (MANE Select); coding-DNA position 1436, C replaced by T.
Protein change: p.Ala479Val; replaces alanine 479 with valine.
Molecular consequence: missense variant.
Genome position (GRCh38, 1-based): chr9:2,058,379, C>T. VCF-style: chr9-2058379-C-T. GRCh37 (hg19) VCF-style: chr9-2058379-C-T.
Other names: c.1436C>T, p.Ala479Val (NM_001289396.2, NM_001289397.2, NM_139045.4); short protein forms A479V.
Identifiers: ClinVar variation 1315067 (VCV001315067.3), dbSNP rs2130352140, ClinGen allele CA372782149.